The following is an entry in ClinVar:

ClinVar aggregate classification (germline): Uncertain significance (1 of 4 stars; one submission).

Conditions:
Arrhythmogenic right ventricular dysplasia 13. Also called: Arrhythmogenic right ventricular dysplasia, familial, 13; ARRHYTHMOGENIC RIGHT VENTRICULAR CARDIOMYOPATHY 13. Identifiers: MedGen C3810138, MONDO:0000908, OMIM 615616.

gnomAD v4.1: 1 of 1,614,140 alleles (0.000062%); highest among the groups gnomAD compares: Non-Finnish European, 0.000085%; no homozygotes.

Submission:

Labcorp Genetics (formerly Invitae), Labcorp
Classification: Uncertain significance for Arrhythmogenic right ventricular dysplasia 13. Last evaluated: 2025-03-05. Review status: criteria provided, single submitter. Criteria: Invitae Variant Classification Sherloc (09022015). Collection method: clinical testing. Allele origin: germline.
Comment: This sequence change replaces methionine, which is neutral and non-polar, with isoleucine, which is neutral and non-polar, at codon 847 of the CTNNA3 protein (p.Met847Ile). This variant is not present in population databases (gnomAD no frequency). This variant has not been reported in the literature in individuals affected with CTNNA3-related conditions. Invitae Evidence Modeling of protein sequence and biophysical properties (such as structural, functional, and spatial information, amino acid conservation, physicochemical variation, residue mobility, and thermodynamic stability) indicates that this missense variant is not expected to disrupt CTNNA3 protein function with a negative predictive value of 80%. In summary, the available evidence is currently insufficient to determine the role of this variant in disease. Therefore, it has been classified as a Variant of Uncertain Significance.

NM_013266.4(CTNNA3):c.2541G>A (p.Met847Ile)

Gene: CTNNA3 (catenin alpha 3; minus strand). Cytogenetic location: 10q21.3.
Variant type: single nucleotide variant.
Coding change: c.2541G>A on transcript NM_013266.4 (MANE Select); coding-DNA position 2541, G replaced by A.
Protein change: p.Met847Ile; replaces methionine 847 with isoleucine.
Molecular consequence: missense variant.
Genome position (GRCh38, 1-based): chr10:65,920,477, C>T on the plus strand (G>A on the coding strand, the complement: CTNNA3 is on the minus strand). VCF-style: chr10-65920477-C-T. GRCh37 (hg19) VCF-style: chr10-67680235-C-T.
Other names: c.2541G>A, p.Met847Ile (NM_001127384.3); short protein forms M847I.
Identifiers: ClinVar variation 3623077 (VCV003623077.2).
Genomic context (GRCh38, chr10:65,920,477, plus strand): 5'-CGTTTCCTCTGGCTTCTCTCTTTTAATCAAGGGTTTTTTTGCAGGAGCCTTCATTCTCCA[C>T]ATCACAACTGGGTGCCGGGGCCCAGCAGGACTCTGGATTCGGATGATCTTGGTTGAGGCA-3'
Protein context (NP_037398.2, residues 837-857): SPAGPRHPVV[Met847Ile]WRMKAPAKKP